The following is an entry in ClinVar:

ClinVar aggregate classification (germline): Likely benign. Review status: criteria provided, single submitter (1 of 4 stars). 2 submissions from 2 submitters: Likely benign (1). 1 of the submissions does not count toward it. Last evaluated 2025-04-16.

Conditions:
HMCN1-related disorder. Also called: HMCN1-related condition.

Allele frequency attached by ClinVar (database versions not stated): gnomAD exomes below 0.00001.
gnomAD v4.1: 1 of 1,609,192 alleles (0.000062%); highest among the groups gnomAD compares: Non-Finnish European, 0.000085%; no homozygotes.

Submissions (2):

Labcorp Genetics (formerly Invitae), Labcorp
Classification: Likely benign. Last evaluated: 2025-04-16. Review status: criteria provided, single submitter. Criteria: Invitae Variant Classification Sherloc (09022015). Collection method: clinical testing. Allele origin: germline.

PreventionGenetics, part of Exact Sciences
Classification: Likely benign for HMCN1-related condition. Last evaluated: 2019-02-28. Review status: no assertion criteria provided. Collection method: clinical testing. Allele origin: germline. Not counted in ClinVar's aggregate classification.
Comment: This variant is classified as likely benign based on ACMG/AMP sequence variant interpretation guidelines (Richards et al. 2015 PMID: 25741868, with internal and published modifications).

NM_031935.3(HMCN1):c.4070-10C>G

Gene: HMCN1 (hemicentin 1; plus strand). Cytogenetic location: 1q31.1.
Variant type: single nucleotide variant.
Coding change: c.4070-10C>G on transcript NM_031935.3 (MANE Select); 10 bases into the intron before coding-DNA position 4070, C replaced by G.
Molecular consequence: intron variant.
Genome position (GRCh38, 1-based): chr1:186,001,288, C>G. VCF-style: chr1-186001288-C-G. GRCh37 (hg19) VCF-style: chr1-185970420-C-G.
Other names: c.4070-10C>G (NM_031935.2).
Identifiers: ClinVar variation 2021132 (VCV002021132.6), dbSNP rs2527450390, ClinGen allele CA2580061665.